The following is an entry in ClinVar:

NM_005204.4(MAP3K8):c.118G>A (p.Ala40Thr)

Gene: MAP3K8 (mitogen-activated protein kinase kinase kinase 8; plus strand). Cytogenetic location: 10p11.23.
Variant type: single nucleotide variant.
Coding change: c.118G>A on transcript NM_005204.4 (MANE Select); coding-DNA position 118, G replaced by A.
Protein change: p.Ala40Thr; replaces alanine 40 with threonine.
Molecular consequence: missense variant.
Genome position (GRCh38, 1-based): chr10:30,439,056, G>A. VCF-style: chr10-30439056-G-A. GRCh37 (hg19) VCF-style: chr10-30727985-G-A.
Other names: c.118G>A, p.Ala40Thr (NM_001244134.1, NM_001320961.2); short protein forms A40T.
Identifiers: ClinVar variation 4691225 (VCV004691225.1).

ClinVar aggregate classification (germline): Uncertain significance (1 of 4 stars; one submission).

gnomAD v4.1: 14 of 1,614,174 alleles (0.00087%); highest among the groups gnomAD compares: South Asian, 0.014%; no homozygotes.

Submission:

Labcorp Genetics (formerly Invitae), Labcorp
Classification: Uncertain significance. Last evaluated: 2026-01-10. Review status: criteria provided, single submitter. Criteria: Invitae Variant Classification Sherloc (09022015). Collection method: clinical testing. Allele origin: germline.
Comment: This sequence change replaces alanine, which is neutral and non-polar, with threonine, which is neutral and polar, at codon 40 of the MAP3K8 protein (p.Ala40Thr). This variant is present in population databases (rs539535216, gnomAD 0.02%). This variant has not been reported in the literature in individuals affected with MAP3K8-related conditions. An algorithm developed to predict the effect of missense changes on protein structure and function (PolyPhen-2) suggests that this variant is likely to be tolerated. In summary, the available evidence is currently insufficient to determine the role of this variant in disease. Therefore, it has been classified as a Variant of Uncertain Significance.